The following is an entry in ClinVar:

ClinVar aggregate classification (germline): Pathogenic/Likely pathogenic. Review status: criteria provided, multiple submitters, no conflicts (2 of 4 stars). 2 submissions from 2 submitters: Pathogenic (1); Likely pathogenic (1). Last evaluated 2026-03-30.

Conditions:
NF1-related disorder. Also called: NF1-related condition. Identifiers: MedGen CN379171.

Submissions (2):

GeneDx
Classification: Pathogenic. Last evaluated: 2026-03-30. Review status: criteria provided, single submitter. Criteria: GeneDx Variant Classification Process June 2021. Collection method: clinical testing. Allele origin: germline.
Comment: Reported in a patient a neurodevelopmental disorder in published literature (PMID: 35599849); however, detailed clinical information not provided; Not observed at significant frequency in large population cohorts (gnomAD); In silico analysis supports that this missense variant has a deleterious effect on protein structure/function; This variant is associated with the following publications: (PMID: 25486365, 2121369, 22807134, 40225167, 35599849)

Blueprint Genetics
Classification: Likely pathogenic for NF1-related disorders. Last evaluated: 2023-10-02. Review status: criteria provided, single submitter. Criteria: ACMG Guidelines, 2015. Collection method: clinical testing. Allele origin: germline. Affected: yes. Observed: 5 variant alleles.

NM_001042492.3(NF1):c.3569G>T (p.Gly1190Val)

Gene: NF1 (neurofibromin 1; plus strand). Cytogenetic location: 17q11.2.
Variant type: single nucleotide variant.
Coding change: c.3569G>T on transcript NM_001042492.3 (MANE Select); coding-DNA position 3569, G replaced by T.
Protein change: p.Gly1190Val; replaces glycine 1190 with valine.
Molecular consequence: missense variant.
Genome position (GRCh38, 1-based): chr17:31,233,074, G>T. VCF-style: chr17-31233074-G-T. GRCh37 (hg19) VCF-style: chr17-29560092-G-T.
Other names: c.3569G>T, p.Gly1190Val (NM_000267.4); short protein forms G1190V.
Identifiers: ClinVar variation 4934549 (VCV004934549.2).